The following is an entry in ClinVar:

NM_001042492.3(NF1):c.5121_5133del (p.Phe1708fs)

Gene: NF1 (neurofibromin 1; plus strand). Cytogenetic location: 17q11.2.
Variant type: Deletion.
Coding change: c.5121_5133del on transcript NM_001042492.3 (MANE Select); coding-DNA positions 5121 to 5133, 13 bases deleted (TTTCATAGACTGT).
Protein change: p.Phe1708fs; shifts the reading frame from phenylalanine 1708.
Molecular consequence: frameshift variant.
Genome position (GRCh38, 1-based): chr17:31,326,105-31,326,117, TTTCATAGACTGT deleted; deleting any 13 consecutive bases within chr17:31,326,102-31,326,117 gives the same sequence; the c. name uses the placement nearest the transcript's 3' end. VCF-style (leftmost placement, unchanged base first): chr17-31326101-TTGTTTTCATAGAC-T. GRCh37 (hg19) VCF-style: chr17-29653119-TTGTTTTCATAGAC-T.
Other names: c.5058_5070delTTTCATAGACTGT, p.Phe1687Leufs (NM_000267.4); short protein forms F1687fs, F1708fs.
Identifiers: ClinVar variation 2033619 (VCV002033619.4), dbSNP rs2508697280, ClinGen allele CA2580093031.
Genomic context (GRCh38, chr17:31,326,101, plus strand): 5'-TCAGGGAGTACACCAAGTATCATGAGCGGCTGCTGACTGGCCTCAAAGGTAGCAAAAGGC[TTGTTTTCATAGAC>T]TGTCCTGGGAAACTGGCTGAGCACATAGAGCATGAACAACAGAAACTACCTGCTGCCACC-3'

ClinVar aggregate classification (germline): Pathogenic (1 of 4 stars; one submission).

Conditions:
Neurofibromatosis, type 1 (NF1). Also called: VON RECKLINGHAUSEN DISEASE; NEUROFIBROMATOSIS, TYPE I, SOMATIC; Neurofibromatosis, type I; Peripheral type neurofibromatosis. Identifiers: Orphanet 636, MedGen C0027831, MONDO:0018975, OMIM 162200. Disease mechanism: loss of function.

Submission:

Labcorp Genetics (formerly Invitae), Labcorp
Classification: Pathogenic for Neurofibromatosis, type 1. Last evaluated: 2022-11-23. Review status: criteria provided, single submitter. Criteria: Invitae Variant Classification Sherloc (09022015). Collection method: clinical testing. Allele origin: germline.
Comment: For these reasons, this variant has been classified as Pathogenic. This variant has not been reported in the literature in individuals affected with NF1-related conditions. This variant is not present in population databases (gnomAD no frequency). This sequence change creates a premature translational stop signal (p.Phe1687Leufs*8) in the NF1 gene. It is expected to result in an absent or disrupted protein product. Loss-of-function variants in NF1 are known to be pathogenic (PMID: 10712197, 23913538).

Literature cited by the submitters: PubMed 10712197; PubMed 23913538.